The following is an entry in ClinVar:

ClinVar aggregate classification (germline): Pathogenic/Likely pathogenic. Review status: criteria provided, multiple submitters, no conflicts (2 of 4 stars). 3 submissions from 3 submitters: Pathogenic (1); Likely pathogenic (1). 1 of the submissions does not count toward it. Last evaluated 2023-01-25.

Conditions:
Primary hyperoxaluria, type II (HP2). Also called: OXALOSIS II; D-GLYCERATE DEHYDROGENASE DEFICIENCY; GLYCERIC ACIDURIA; GLYOXYLATE REDUCTASE/HYDROXYPYRUVATE REDUCTASE DEFICIENCY; Primary hyperoxaluria type 2. Identifiers: Orphanet 416, Orphanet 93599, MedGen C0268165, MONDO:0009824, OMIM 260000. Disease mechanism: loss of function.

Submissions (3):

Baylor Genetics
Classification: Likely pathogenic for Primary hyperoxaluria, type II. Last evaluated: 2023-01-25. Review status: criteria provided, single submitter. Criteria: ACMG Guidelines, 2015. Collection method: clinical testing. Allele origin: unknown.

Labcorp Genetics (formerly Invitae), Labcorp
Classification: Pathogenic. Last evaluated: 2019-02-19. Review status: criteria provided, single submitter. Criteria: Invitae Variant Classification Sherloc (09022015). Collection method: clinical testing. Allele origin: germline.
Comment: For these reasons, this variant has been classified as Pathogenic. Loss-of-function variants in GRHPR are known to be pathogenic (PMID: 25644115). This variant has not been reported in the literature in individuals with GRHPR-related conditions. ClinVar contains an entry for this variant (Variation ID: 599224). This variant is not present in population databases (ExAC no frequency). This sequence change creates a premature translational stop signal (p.Ala206Aspfs*11) in the GRHPR gene. It is expected to result in an absent or disrupted protein product.

Institute of Human Genetics, Cologne University
Classification: Likely pathogenic for Primary hyperoxaluria, type II. Review status: no assertion criteria provided. Collection method: clinical testing. Allele origin: germline. Affected: yes. Not counted in ClinVar's aggregate classification.

Literature cited by the submitters: PubMed 25644115 (cited by Labcorp Genetics (formerly Invitae), Labcorp).

NM_012203.2(GRHPR):c.617_671del (p.Ala206fs)

Gene: GRHPR (glyoxylate and hydroxypyruvate reductase; plus strand). Cytogenetic location: 9p13.2.
Variant type: Deletion.
Coding change: c.617_671del on transcript NM_012203.2 (MANE Select); coding-DNA positions 617 to 671, 55 bases deleted.
Protein change: p.Ala206fs; shifts the reading frame from alanine 206.
Molecular consequence: frameshift variant.
Genome position (GRCh38, 1-based): chr9:37,430,529-37,430,583, 55 bases deleted. GRCh37 (hg19): chr9:37,430,526-37,430,580.
Other names: short protein forms A206fs.
Identifiers: ClinVar variation 599224 (VCV000599224.9), dbSNP rs1564300888, ClinGen allele CA913189933.